The following is an entry in ClinVar:

ClinVar aggregate classification (germline): Likely pathogenic (1 of 4 stars; one submission).

Submission:

GeneDx
Classification: Likely pathogenic. Last evaluated: 2016-06-02. Review status: criteria provided, single submitter. Criteria: GeneDx Variant Classification (06012015). Collection method: clinical testing. Allele origin: germline. Affected: yes.
Comment: The E322K variant in the AFG3L2 gene has not been reported previously as a pathogenic variant, nor as a benign variant, to our knowledge. The E322K variant was not observed in approximately 6500 individuals of European and African American ancestry in the NHLBI Exome Sequencing Project, indicating it is not a common benign variant in these populations. The E322K variant is a non-conservative amino acid substitution, which occurs at a position that is conserved across species. In silico analysis predicts this variant is probably damaging to the protein structure/function. The E322K variant is a strong candidate for a pathogenic variant, however the possibility it may be a rare being variant cannot be excluded.

NM_006796.3(AFG3L2):c.964G>A (p.Glu322Lys)

Gene: AFG3L2 (AFG3 like matrix AAA peptidase subunit 2; minus strand). Cytogenetic location: 18p11.21.
Variant type: single nucleotide variant.
Coding change: c.964G>A on transcript NM_006796.3 (MANE Select); coding-DNA position 964, G replaced by A.
Protein change: p.Glu322Lys; replaces glutamic acid 322 with lysine.
Molecular consequence: missense variant.
Genome position (GRCh38, 1-based): chr18:12,358,732, C>T on the plus strand (G>A on the coding strand, the complement: AFG3L2 is on the minus strand). VCF-style: chr18-12358732-C-T. GRCh37 (hg19) VCF-style: chr18-12358731-C-T.
Other names: short protein forms E322K.
Identifiers: ClinVar variation 372850 (VCV000372850.1), dbSNP rs1057518024, ClinGen allele CA16043026.